The following is an entry in ClinVar:

NM_005902.4(SMAD3):c.313G>C (p.Ala105Pro)

Gene: SMAD3 (SMAD family member 3; plus strand). Cytogenetic location: 15q22.33.
Variant type: single nucleotide variant.
Coding change: c.313G>C on transcript NM_005902.4 (MANE Select); coding-DNA position 313, G replaced by C.
Protein change: p.Ala105Pro; replaces alanine 105 with proline.
Molecular consequence: missense variant. On other transcripts: 5 prime UTR variant (3).
Genome position (GRCh38, 1-based): chr15:67,165,001, G>C. VCF-style: chr15-67165001-G-C. GRCh37 (hg19) VCF-style: chr15-67457339-G-C.
Other names: c.-3G>C (NM_001145102.2, NM_001407015.1, NM_001407016.1); c.181G>C, p.Ala61Pro (NM_001145103.2); c.313G>C, p.Ala105Pro (NM_001407011.1, NM_001407012.1, NM_001407013.1); c.166G>C, p.Ala56Pro (NM_001407014.1); short protein forms A61P, A105P, A56P.
Identifiers: ClinVar variation 2814088 (VCV002814088.3), dbSNP rs1180268708, ClinGen allele CA392954001.

ClinVar aggregate classification (germline): Uncertain significance (1 of 4 stars; one submission).

Conditions:
Familial thoracic aortic aneurysm and aortic dissection (TAAD). Also called: Thoracic aortic aneurysms and dissections. Identifiers: Orphanet 91387, MedGen C4707243, MONDO:0019625.

Submission:

Labcorp Genetics (formerly Invitae), Labcorp
Classification: Uncertain significance for Familial thoracic aortic aneurysm and aortic dissection. Last evaluated: 2022-11-14. Review status: criteria provided, single submitter. Criteria: Invitae Variant Classification Sherloc (09022015). Collection method: clinical testing. Allele origin: germline.
Comment: Advanced modeling of protein sequence and biophysical properties (such as structural, functional, and spatial information, amino acid conservation, physicochemical variation, residue mobility, and thermodynamic stability) performed at Invitae indicates that this missense variant is not expected to disrupt SMAD3 protein function. This sequence change replaces alanine, which is neutral and non-polar, with proline, which is neutral and non-polar, at codon 105 of the SMAD3 protein (p.Ala105Pro). This variant is not present in population databases (gnomAD no frequency). This variant has not been reported in the literature in individuals affected with SMAD3-related conditions. In summary, the available evidence is currently insufficient to determine the role of this variant in disease. Therefore, it has been classified as a Variant of Uncertain Significance.